The following is an entry in ClinVar:

ClinVar aggregate classification (germline): Pathogenic (1 of 4 stars; one submission).

Conditions:
Cohen syndrome (COH1). Also called: Cutis verticis gyrata, retinitis pigmentosa, and sensorineural deafness; PEPPER SYNDROME. Identifiers: Orphanet 193, MedGen C0265223, MONDO:0008999, OMIM 216550.

Allele frequency attached by ClinVar (database versions not stated): gnomAD exomes below 0.00001; ExAC 0.00001.

Submission:

Labcorp Genetics (formerly Invitae), Labcorp
Classification: Pathogenic for Cohen syndrome. Last evaluated: 2022-11-07. Review status: criteria provided, single submitter. Criteria: Invitae Variant Classification Sherloc (09022015). Collection method: clinical testing. Allele origin: germline.
Comment: For these reasons, this variant has been classified as Pathogenic. This variant has not been reported in the literature in individuals affected with VPS13B-related conditions. This variant is present in population databases (rs769834845, gnomAD 0.0009%). This sequence change creates a premature translational stop signal (p.Val666Argfs*6) in the VPS13B gene. It is expected to result in an absent or disrupted protein product. Loss-of-function variants in VPS13B are known to be pathogenic (PMID: 15141358, 16648375, 20461111).

Literature cited by the submitters: PubMed 15141358; PubMed 16648375; PubMed 20461111.

NM_152564.5(VPS13B):c.1996_2006del (p.Val666fs)

Gene: VPS13B (vacuolar protein sorting 13 homolog B; plus strand). Cytogenetic location: 8q22.2.
Variant type: Deletion.
Coding change: c.1996_2006del on transcript NM_152564.5 (MANE Select); coding-DNA positions 1996 to 2006, 11 bases deleted (GTCATTATGGG).
Protein change: p.Val666fs; shifts the reading frame from valine 666.
Molecular consequence: frameshift variant.
Genome position (GRCh38, 1-based): chr8:99,147,993-99,148,003, GTCATTATGGG deleted. VCF-style (leftmost placement, unchanged base first): chr8-99147992-TGTCATTATGGG-T. GRCh37 (hg19) VCF-style: chr8-100160220-TGTCATTATGGG-T.
Other names: c.1996_2006del, p.Val666fs (NM_015243.3, NM_017890.5); short protein forms V666fs.
Identifiers: ClinVar variation 2812705 (VCV002812705.3), dbSNP rs769834845, ClinGen allele CA4822789.